The following is an entry in ClinVar:

ClinVar aggregate classification (germline): Uncertain significance (1 of 4 stars; one submission).

Submission:

Dasa
Classification: Uncertain significance. Last evaluated: 2026-03-07. Review status: criteria provided, single submitter. Criteria: DASA Assertion Criteria. Collection method: clinical testing. Allele origin: germline.
Comment: NM_001194.4(HCN2):c.889T>C (p.Ser297Pro) is a missense variant that results in the substitution of serine with proline. Published studies describe this variant in association with related phenotype (PMID: 40468825). Also, this variant is absent from population databases. Computational prediction algorithms are consistent with a deleterious effect. The currently available literature and clinical evidence are not sufficient to establish a definitive association between this variant and the reported condition. Therefore, this variant is classified as a variant of uncertain significance.

Literature cited by the submitters: PubMed 40468825.

NM_001194.4(HCN2):c.889T>C (p.Ser297Pro)

Genes: HCN2 (hyperpolarization activated cyclic nucleotide gated potassium and sodium channel 2; plus strand), LOC129391015 (MPRA-validated peak3211 silencer; plus strand). Cytogenetic location: 19p13.3.
Variant type: single nucleotide variant.
Coding change: c.889T>C on transcript NM_001194.4 (MANE Select); coding-DNA position 889, T replaced by C.
Protein change: p.Ser297Pro; replaces serine 297 with proline.
Molecular consequence: missense variant.
Genome position (GRCh38, 1-based): chr19:603,800, T>C. VCF-style: chr19-603800-T-C. GRCh37 (hg19) VCF-style: chr19-603800-T-C.
Other names: short protein forms S297P.
Identifiers: ClinVar variation 4886639 (VCV004886639.2).
Genomic context (GRCh38, chr19:603,800, plus strand): 5'-CTGGACCCCGAGAAGATCAAGAAGAAGTATCTGCGCACGTGGTTCGTGGTGGACTTCGTG[T>C]CCTCCATCCCCGTGGACTACATCTTCCTTATCGTGGAGAAGGGCATTGACTCCGAGGTCT-3'
Protein context (NP_001185.3, residues 287-307): LRTWFVVDFV[Ser297Pro]SIPVDYIFLI